The following is an entry in ClinVar:

NM_003073.5(SMARCB1):c.*82C>G

Gene: SMARCB1 (SWI/SNF related BAF chromatin remodeling complex subunit B1; plus strand). Cytogenetic location: 22q11.23.
Variant type: single nucleotide variant.
Coding change: c.*82C>G on transcript NM_003073.5 (MANE Select); 82 bases downstream of the stop codon, C replaced by G.
Molecular consequence: 3 prime UTR variant.
Genome position (GRCh38, 1-based): chr22:23,834,262, C>G. VCF-style: chr22-23834262-C-G. GRCh37 (hg19) VCF-style: chr22-24176449-C-G.
Other names: c.*82C>G (NM_001007468.3, NM_001317946.2, NM_001362877.2).
Identifiers: ClinVar variation 1363238 (VCV001363238.5), dbSNP rs878854600, ClinGen allele CA2573157775.

ClinVar aggregate classification (germline): Uncertain significance (1 of 4 stars; one submission).

Submission:

Labcorp Genetics (formerly Invitae), Labcorp
Classification: Uncertain significance. Last evaluated: 2025-01-31. Review status: criteria provided, single submitter. Criteria: Invitae Variant Classification Sherloc (09022015). Collection method: clinical testing. Allele origin: germline.
Comment: This variant occurs in a non-coding region of the SMARCB1 gene. It does not change the encoded amino acid sequence of the SMARCB1 protein. This variant is not present in population databases (gnomAD no frequency). This variant has not been reported in the literature in individuals affected with SMARCB1-related conditions. ClinVar contains an entry for this variant (Variation ID: 1363238). Experimental studies and prediction algorithms are not available or were not evaluated, and the functional significance of this variant is currently unknown. Algorithms developed to predict the effect of sequence changes on RNA splicing suggest that this variant may create or strengthen a splice site. In summary, the available evidence is currently insufficient to determine the role of this variant in disease. Therefore, it has been classified as a Variant of Uncertain Significance.